The following is an entry in ClinVar:

ClinVar aggregate classification (germline): Uncertain significance (1 of 4 stars; one submission).

Allele frequency attached by ClinVar (database versions not stated): gnomAD exomes below 0.00001; TOPMed 0.00001.

Submission:

Labcorp Genetics (formerly Invitae), Labcorp
Classification: Uncertain significance. Last evaluated: 2024-01-06. Review status: criteria provided, single submitter. Criteria: Invitae Variant Classification Sherloc (09022015). Collection method: clinical testing. Allele origin: germline.
Comment: This sequence change replaces glycine, which is neutral and non-polar, with arginine, which is basic and polar, at codon 638 of the COL9A2 protein (p.Gly638Arg). This variant is not present in population databases (gnomAD no frequency). This variant has not been reported in the literature in individuals affected with COL9A2-related conditions. Advanced modeling of protein sequence and biophysical properties (such as structural, functional, and spatial information, amino acid conservation, physicochemical variation, residue mobility, and thermodynamic stability) performed at Invitae indicates that this missense variant is expected to disrupt COL9A2 protein function with a positive predictive value of 95%. In summary, the available evidence is currently insufficient to determine the role of this variant in disease. Therefore, it has been classified as a Variant of Uncertain Significance.

NM_001852.4(COL9A2):c.1912G>A (p.Gly638Arg)

Gene: COL9A2 (collagen type IX alpha 2 chain; minus strand). Cytogenetic location: 1p34.2.
Variant type: single nucleotide variant.
Coding change: c.1912G>A on transcript NM_001852.4 (MANE Select); coding-DNA position 1912, G replaced by A.
Protein change: p.Gly638Arg; replaces glycine 638 with arginine.
Molecular consequence: missense variant.
Genome position (GRCh38, 1-based): chr1:40,301,340, C>T on the plus strand (G>A on the coding strand, the complement: COL9A2 is on the minus strand). VCF-style: chr1-40301340-C-T. GRCh37 (hg19) VCF-style: chr1-40767012-C-T.
Other names: short protein forms G638R.
Identifiers: ClinVar variation 2800866 (VCV002800866.3), dbSNP rs1643912634, ClinGen allele CA339874248.